The following is an entry in ClinVar:

ClinVar aggregate classification (germline): Uncertain significance (1 of 4 stars; one submission).

Conditions:
Inborn genetic diseases. Identifiers: MedGen C0950123, MeSH D030342.

gnomAD v4.1: 1 of 1,612,270 alleles (0.000062%); highest among the groups gnomAD compares: Non-Finnish European, 0.000085%; no homozygotes.

Submission:

Ambry Genetics
Classification: Uncertain significance for Inborn genetic diseases. Last evaluated: 2026-01-05. Review status: criteria provided, single submitter. Criteria: Ambry Variant Classification Scheme 2023. Collection method: clinical testing. Allele origin: germline.
Comment: The c.612G>T (p.E204D) alteration is located in exon 6 (coding exon 5) of the RAD21 gene. This alteration results from a G to T substitution at nucleotide position 612, causing the glutamic acid (E) at amino acid position 204 to be replaced by an aspartic acid (D). Based on data from gnomAD, the T allele has an overall frequency of 0.003% (1/31400) total alleles studied. The highest observed frequency was 0.007% (1/15428) of European (non-Finnish) alleles. Based on insufficient or conflicting evidence, the clinical significance of this alteration remains unclear.

NM_006265.3(RAD21):c.612G>T (p.Glu204Asp)

Gene: RAD21 (RAD21 cohesin complex component; minus strand). Cytogenetic location: 8q24.11.
Variant type: single nucleotide variant.
Coding change: c.612G>T on transcript NM_006265.3 (MANE Select); coding-DNA position 612, G replaced by T.
Protein change: p.Glu204Asp; replaces glutamic acid 204 with aspartic acid.
Molecular consequence: missense variant.
Genome position (GRCh38, 1-based): chr8:116,857,343, C>A on the plus strand (G>T on the coding strand, the complement: RAD21 is on the minus strand). VCF-style: chr8-116857343-C-A. GRCh37 (hg19) VCF-style: chr8-117869582-C-A.
Other names: short protein forms E204D.
Identifiers: ClinVar variation 4839038 (VCV004839038.1).